The following is an entry in ClinVar:

ClinVar aggregate classification (germline): Uncertain significance. Review status: criteria provided, multiple submitters, no conflicts (2 of 4 stars). 3 submissions from 3 submitters: Uncertain significance (3). Last evaluated 2024-08-12.

Conditions:
Cardiovascular phenotype. Identifiers: MedGen CN230736.
Long QT syndrome (LQTS). Identifiers: MedGen C0023976, MeSH D008133, MONDO:0002442. Disease mechanism: loss of function. Inheritance: Various modes of inheritance.
Long QT syndrome 11 (LQT11). Identifiers: Orphanet 101016, Orphanet 768, MedGen C2678483, MONDO:0012738, OMIM 611820.

Allele frequency attached by ClinVar (database versions not stated): ExAC 0.00001; gnomAD exomes 0.00001 and 0.00002; gnomAD 0.00004; ESP Exome Variant Server 0.00008.
gnomAD v4.1: 14 of 1,534,120 alleles (0.00091%); highest among the groups gnomAD compares: African/African-American, 0.0055%; no homozygotes.

Submissions (3):

Ambry Genetics
Classification: Uncertain significance for Cardiovascular phenotype. Last evaluated: 2024-08-12. Review status: criteria provided, single submitter. Criteria: Ambry Variant Classification Scheme 2023. Collection method: clinical testing. Allele origin: germline.

Labcorp Genetics (formerly Invitae), Labcorp
Classification: Uncertain significance for Long QT syndrome. Last evaluated: 2024-04-29. Review status: criteria provided, single submitter. Criteria: Invitae Variant Classification Sherloc (09022015). Collection method: clinical testing. Allele origin: germline.
Comment: This sequence change replaces glutamic acid, which is acidic and polar, with aspartic acid, which is acidic and polar, at codon 1248 of the AKAP9 protein (p.Glu1248Asp). This variant is present in population databases (rs374309022, gnomAD 0.02%). This variant has not been reported in the literature in individuals affected with AKAP9-related conditions. ClinVar contains an entry for this variant (Variation ID: 1397495). An algorithm developed to predict the effect of missense changes on protein structure and function (PolyPhen-2) suggests that this variant is likely to be tolerated. In summary, the available evidence is currently insufficient to determine the role of this variant in disease. Therefore, it has been classified as a Variant of Uncertain Significance.

Fulgent Genetics
Classification: Uncertain significance for Long QT syndrome 11. Last evaluated: 2021-08-23. Review status: criteria provided, single submitter. Criteria: ACMG Guidelines, 2015. Collection method: clinical testing. Allele origin: unknown.

NM_005751.5(AKAP9):c.3744A>C (p.Glu1248Asp)

Gene: AKAP9 (A-kinase anchoring protein 9; plus strand). Cytogenetic location: 7q21.2.
Variant type: single nucleotide variant.
Coding change: c.3744A>C on transcript NM_005751.5 (MANE Select); coding-DNA position 3744, A replaced by C.
Protein change: p.Glu1248Asp; replaces glutamic acid 1248 with aspartic acid.
Molecular consequence: missense variant.
Genome position (GRCh38, 1-based): chr7:92,016,260, A>C. VCF-style: chr7-92016260-A-C. GRCh37 (hg19) VCF-style: chr7-91645574-A-C.
Other names: c.3744A>C, p.Glu1248Asp (NM_147185.3); c.3744A>C (NM_005751.4); short protein forms E1248D.
Identifiers: ClinVar variation 1397495 (VCV001397495.12), dbSNP rs374309022, ClinGen allele CA4336377.